The following is an entry in ClinVar:

NM_006947.4(SRP72):c.262G>A (p.Glu88Lys)

Gene: SRP72 (signal recognition particle 72; plus strand). Cytogenetic location: 4q12.
Variant type: single nucleotide variant.
Coding change: c.262G>A on transcript NM_006947.4 (MANE Select); coding-DNA position 262, G replaced by A.
Protein change: p.Glu88Lys; replaces glutamic acid 88 with lysine.
Molecular consequence: missense variant. On other transcripts: non-coding transcript variant (1).
Genome position (GRCh38, 1-based): chr4:56,471,751, G>A. VCF-style: chr4-56471751-G-A. GRCh37 (hg19) VCF-style: chr4-57337917-G-A.
Other names: c.262G>A, p.Glu88Lys (NM_001267722.2); short protein forms E88K.
Identifiers: ClinVar variation 3801446 (VCV003801446.1).
Genomic context (GRCh38, chr4:56,471,751, plus strand): 5'-TCAGATACTGTTTTTTTTTCCTTCTTCAGTAACTCTCTCTCCTTTGAAAAGGCATATTGC[G>A]AGTACAGGCTGAACAGAATTGAGAATGCCTTGAAGACAATAGAAAGTGCCAACCAGCAGA-3'
Protein context (NP_008878.3, residues 78-98): NSLSFEKAYC[Glu88Lys]YRLNRIENAL

ClinVar aggregate classification (germline): Uncertain significance (1 of 4 stars; one submission).

gnomAD v4.1: 3 of 1,613,560 alleles (0.00019%); highest among the groups gnomAD compares: South Asian, 0.0011%; no homozygotes.

Submission:

Ambry Genetics
Classification: Uncertain significance. Last evaluated: 2025-01-17. Review status: criteria provided, single submitter. Criteria: Ambry Variant Classification Scheme 2023. Collection method: clinical testing. Allele origin: germline.
Comment: The p.E88K variant (also known as c.262G>A), located in coding exon 3 of the SRP72 gene, results from a G to A substitution at nucleotide position 262. The glutamic acid at codon 88 is replaced by lysine, an amino acid with similar properties. This amino acid position is conserved. In addition, the in silico prediction for this alteration is inconclusive. Based on the available evidence, the clinical significance of this variant remains unclear.